The following is an entry in ClinVar:

ClinVar aggregate classification (germline): Uncertain significance. Review status: criteria provided, multiple submitters, no conflicts (2 of 4 stars). 2 submissions from 2 submitters: Uncertain significance (2). Last evaluated 2026-04-13.

Conditions:
PLEC-related disorder. Also called: PLEC-related condition; PLEC-related disorders.
Epidermolysis bullosa simplex, Ogna type (EBS5A). Also called: Pidermolysis bullosa simplex 5A, Ogna type; EPIDERMOLYSIS BULLOSA SIMPLEX 5A, OGNA TYPE. Identifiers: Orphanet 79401, MedGen C0432317, MONDO:0007555, OMIM 131950.
Autosomal recessive limb-girdle muscular dystrophy type 2Q (LGMDR17). Also called: MUSCULAR DYSTROPHY, LIMB-GIRDLE, AUTOSOMAL RECESSIVE 17. Identifiers: Orphanet 254361, MedGen C3150989, MONDO:0013390, OMIM 613723.
Epidermolysis bullosa simplex with nail dystrophy (EBS5D). Identifiers: MedGen C4225309, MONDO:0014661, OMIM 616487.
Epidermolysis bullosa simplex 5C, with pyloric atresia (EBS5C). Also called: PLEC-Related Epidermolysis Bullosa with Pyloric Atresia; Epidermolysis bullosa simplex with pyloric atresia; PLEC1-Related Epidermolysis Bullosa with Pyloric Atresia. Identifiers: Orphanet 158684, MedGen C2677349, MONDO:0012807, OMIM 612138.
Epidermolysis bullosa simplex 5B, with muscular dystrophy (EBS5B). Also called: Epidermolysis bullosa simplex with muscular dystrophy; EPIDERMOLYSIS BULLOSA SIMPLEX AND LIMB-GIRDLE MUSCULAR DYSTROPHY. Identifiers: Orphanet 257, MedGen C2931072, MONDO:0009181, OMIM 226670.

Allele frequency attached by ClinVar (database versions not stated): gnomAD exomes below 0.00001.
gnomAD v4.1: 2 of 1,611,626 alleles (0.00012%); highest among the groups gnomAD compares: Non-Finnish European, 0.00017%; no homozygotes.

Submissions (2):

PreventionGenetics, part of Exact Sciences
Classification: Uncertain significance for PLEC-related condition. Last evaluated: 2026-04-13. Review status: criteria provided, single submitter. Criteria: ACMG Guidelines, 2015. Collection method: clinical testing. Allele origin: germline.
Comment: The PLEC c.7033G>A variant is predicted to result in the amino acid substitution p.Ala2345Thr. To our knowledge, this variant has not been reported in the literature or in a large population database (gnomAD), indicating this variant is rare. At this time, the clinical significance of this variant is uncertain due to the absence of conclusive functional and genetic evidence.

Labcorp Genetics (formerly Invitae), Labcorp
Classification: Uncertain significance for Autosomal recessive limb-girdle muscular dystrophy type 2Q; Epidermolysis bullosa simplex, Ogna type; Epidermolysis bullosa simplex with nail dystrophy; Epidermolysis bullosa simplex 5C, with pyloric atresia; Epidermolysis bullosa simplex 5B, with muscular dystrophy. Last evaluated: 2025-02-10. Review status: criteria provided, single submitter. Criteria: Invitae Variant Classification Sherloc (09022015). Collection method: clinical testing. Allele origin: germline.
Comment: This sequence change replaces alanine, which is neutral and non-polar, with threonine, which is neutral and polar, at codon 2345 of the PLEC protein (p.Ala2345Thr). This variant is not present in population databases (gnomAD no frequency). This variant has not been reported in the literature in individuals affected with PLEC-related conditions. ClinVar contains an entry for this variant (Variation ID: 2925817). An algorithm developed to predict the effect of missense changes on protein structure and function (PolyPhen-2) suggests that this variant is likely to be disruptive. In summary, the available evidence is currently insufficient to determine the role of this variant in disease. Therefore, it has been classified as a Variant of Uncertain Significance.

NM_201384.3(PLEC):c.6952G>A (p.Ala2318Thr)

Gene: PLEC (plectin; minus strand). Cytogenetic location: 8q24.3.
Variant type: single nucleotide variant.
Coding change: c.6952G>A on transcript NM_201384.3 (MANE Select); coding-DNA position 6952, G replaced by A.
Protein change: p.Ala2318Thr; replaces alanine 2318 with threonine.
Molecular consequence: missense variant. On other transcripts: intron variant (1).
Genome position (GRCh38, 1-based): chr8:143,922,977, C>T on the plus strand (G>A on the coding strand, the complement: PLEC is on the minus strand). VCF-style: chr8-143922977-C-T. GRCh37 (hg19) VCF-style: chr8-144997145-C-T.
Other names: c.7033G>A (NM_000445.4); c.7033G>A, p.Ala2345Thr (NM_000445.5); c.6910G>A, p.Ala2304Thr (NM_201378.4); c.6886G>A, p.Ala2296Thr (NM_201379.3); c.7363G>A, p.Ala2455Thr (NM_201380.4); c.6856G>A, p.Ala2286Thr (NM_201381.3); c.6952G>A, p.Ala2318Thr (NM_201382.4); c.6964G>A, p.Ala2322Thr (NM_201383.3); and 1 more; short protein forms A2296T, A2455T, A2345T, A2286T, A2304T, A2318T, A2322T.
Identifiers: ClinVar variation 2925817 (VCV002925817.4), dbSNP rs2537673980, ClinGen allele CA372531215.